The following is an entry in ClinVar:

NM_012463.4(ATP6V0A2):c.2466-2A>G

Gene: ATP6V0A2 (ATPase H+ transporting V0 subunit a2; plus strand). Cytogenetic location: 12q24.31.
Variant type: single nucleotide variant.
Coding change: c.2466-2A>G on transcript NM_012463.4 (MANE Select); the canonical splice acceptor site of the intron before coding-DNA position 2466, A replaced by G.
Molecular consequence: splice acceptor variant.
Genome position (GRCh38, 1-based): chr12:123,757,925, A>G. VCF-style: chr12-123757925-A-G. GRCh37 (hg19) VCF-style: chr12-124242472-A-G.
Other names: NC_000012.11:g.124242472A>G.
Identifiers: ClinVar variation 4381727 (VCV004381727.2).
Genomic context (GRCh38, chr12:123,757,925, plus strand): 5'-TGTTGTTTTAAGGAATGTGATTTCATAATCTTCCATTAATACATGGCTTTTTTTTTTTTT[A>G]GGGTAGAATTTCAGAACAAATTCTACGTTGGTGCAGGCACCAAATTTGTTCCTTTCTCAT-3'

ClinVar aggregate classification (germline): Likely pathogenic (1 of 4 stars; one submission).

Conditions:
ALG9 congenital disorder of glycosylation (CDG1L). Also called: CDG Il; CONGENITAL DISORDER OF GLYCOSYLATION, TYPE Il; ALG9-CDG. Identifiers: Orphanet 79328, MedGen C2931006, MONDO:0012117, OMIM 608776.

gnomAD v4.1: 2 of 1,422,600 alleles (0.00014%); highest among the groups gnomAD compares: Non-Finnish European, 0.00019%; no homozygotes.

Submissions (2):

Labcorp Genetics (formerly Invitae), Labcorp
Classification: Likely pathogenic for ALG9 congenital disorder of glycosylation. Last evaluated: 2025-11-16. Review status: criteria provided, single submitter. Criteria: Invitae Variant Classification Sherloc (09022015). Collection method: clinical testing. Allele origin: germline.
Comment: This sequence change affects an acceptor splice site in intron 19 of the ATP6V0A2 gene. While this variant is not anticipated to result in nonsense mediated decay, it likely alters RNA splicing and results in a disrupted protein product. This variant is not present in population databases (gnomAD no frequency). Disruption of this splice site has been observed in individual(s) with ATP6V0A2-CDG (PMID: 19321599). In at least one individual the data is consistent with being in trans (on the opposite chromosome) from a pathogenic variant. Variants that disrupt the consensus splice site are a relatively common cause of aberrant splicing (PMID: 17576681, 9536098). Algorithms developed to predict the effect of sequence changes on RNA splicing suggest that this variant may disrupt the consensus splice site. In summary, the currently available evidence indicates that the variant is pathogenic, but additional data are needed to prove that conclusively. Therefore, this variant has been classified as Likely Pathogenic.

Dr. Peter K. Rogan Lab, Western University
No classification provided (evidence only). Condition: Acute myeloid leukemia. Review status: no classification provided. Collection method: in vitro. Allele origin: not applicable. Functional consequence: retained intron. Not counted in ClinVar's aggregate classification.

Literature cited by the submitters: PubMed 19321599 (cited by Labcorp Genetics (formerly Invitae), Labcorp); PubMed 17576681 (cited by Labcorp Genetics (formerly Invitae), Labcorp); PubMed 9536098 (cited by Labcorp Genetics (formerly Invitae), Labcorp).